The following is an entry in ClinVar:

NM_000379.4(XDH):c.887-1G>A

Gene: XDH (xanthine dehydrogenase; minus strand). Cytogenetic location: 2p23.1.
Variant type: single nucleotide variant.
Coding change: c.887-1G>A on transcript NM_000379.4 (MANE Select); the canonical splice acceptor site of the intron before coding-DNA position 887, G replaced by A.
Molecular consequence: splice acceptor variant.
Genome position (GRCh38, 1-based): chr2:31,383,153, C>T on the plus strand (G>A on the coding strand, the complement: XDH is on the minus strand). VCF-style: chr2-31383153-C-T. GRCh37 (hg19) VCF-style: chr2-31606019-C-T.
Identifiers: ClinVar variation 1511643 (VCV001511643.8), dbSNP rs1383065231, ClinGen allele CA346509449.

ClinVar aggregate classification (germline): Likely pathogenic (1 of 4 stars; one submission).

Conditions:
Xanthinuria type II. Also called: Xanthine dehydrogenase and aldehyde oxidase combined deficiency of; XDH and AOX dual deficiency. Identifiers: Orphanet 3467, Orphanet 93602, MedGen C1863688, MONDO:0011346, OMIM 603592.

Allele frequency attached by ClinVar (database versions not stated): gnomAD exomes below 0.00001; TOPMed below 0.00001; gnomAD 0.00001.
gnomAD v4.1: 2 of 1,614,046 alleles (0.00012%); highest among the groups gnomAD compares: Non-Finnish European, 0.00017%; no homozygotes.

Submission:

Labcorp Genetics (formerly Invitae), Labcorp
Classification: Likely pathogenic for Xanthinuria type II. Last evaluated: 2024-10-24. Review status: criteria provided, single submitter. Criteria: Invitae Variant Classification Sherloc (09022015). Collection method: clinical testing. Allele origin: germline.
Comment: This sequence change affects an acceptor splice site in intron 10 of the XDH gene. It is expected to disrupt RNA splicing. Variants that disrupt the donor or acceptor splice site typically lead to a loss of protein function (PMID: 16199547), and loss-of-function variants in XDH are known to be pathogenic (PMID: 9153281). This variant is not present in population databases (gnomAD no frequency). This variant has not been reported in the literature in individuals affected with XDH-related conditions. ClinVar contains an entry for this variant (Variation ID: 1511643). Algorithms developed to predict the effect of sequence changes on RNA splicing suggest that this variant may disrupt the consensus splice site. In summary, the currently available evidence indicates that the variant is pathogenic, but additional data are needed to prove that conclusively. Therefore, this variant has been classified as Likely Pathogenic.

Literature cited by the submitters: PubMed 16199547; PubMed 9153281.